The following is an entry in ClinVar:

ClinVar aggregate classification (germline): Uncertain significance (1 of 4 stars; one submission).

Conditions:
Hereditary diffuse gastric adenocarcinoma (HDGC). Also called: DIFFUSE GASTRIC AND LOBULAR BREAST CANCER SYNDROME. Identifiers: Orphanet 26106, MedGen C1708349, MONDO:0007648, OMIM 137215.

Submission:

Labcorp Genetics (formerly Invitae), Labcorp
Classification: Uncertain significance for Hereditary diffuse gastric adenocarcinoma. Last evaluated: 2018-01-14. Review status: criteria provided, single submitter. Criteria: Invitae Variant Classification Sherloc (09022015). Collection method: clinical testing. Allele origin: germline.
Comment: In summary, the available evidence is currently insufficient to determine the role of this variant in disease. Therefore, it has been classified as a Variant of Uncertain Significance. Algorithms developed to predict the effect of missense changes on protein structure and function (SIFT, PolyPhen-2, Align-GVGD) all suggest that this variant is likely to be disruptive, but these predictions have not been confirmed by published functional studies and their clinical significance is uncertain. This variant has not been reported in the literature in individuals with CDH1-related disease. This variant is not present in population databases (ExAC no frequency). This sequence change replaces threonine with alanine at codon 217 of the CDH1 protein (p.Thr217Ala). The threonine residue is highly conserved and there is a small physicochemical difference between threonine and alanine.

NM_004360.5(CDH1):c.649A>G (p.Thr217Ala)

Gene: CDH1 (cadherin 1; plus strand). Cytogenetic location: 16q22.1.
Variant type: single nucleotide variant.
Coding change: c.649A>G on transcript NM_004360.5 (MANE Select); coding-DNA position 649, A replaced by G.
Protein change: p.Thr217Ala; replaces threonine 217 with alanine.
Molecular consequence: missense variant. On other transcripts: 5 prime UTR variant (2).
Genome position (GRCh38, 1-based): chr16:68,808,810, A>G. VCF-style: chr16-68808810-A-G. GRCh37 (hg19) VCF-style: chr16-68842713-A-G.
Other names: c.649A>G (LRG_301t1); c.649A>G, p.Thr217Ala (NM_001317184.2); c.-967A>G (NM_001317185.2); c.-1171A>G (NM_001317186.2); short protein forms T217A.
Identifiers: ClinVar variation 579693 (VCV000579693.9), dbSNP rs1567504901, ClinGen allele CA396458086.